The following is an entry in ClinVar:

ClinVar aggregate classification (germline): Likely benign (1 of 4 stars; one submission).

Allele frequency attached by ClinVar (database versions not stated): ExAC 0.00001; gnomAD exomes 0.00001; TOPMed 0.00001; gnomAD 0.00002.
gnomAD v4.1: 15 of 1,613,864 alleles (0.00093%); highest among the groups gnomAD compares: Non-Finnish European, 0.0013%; no homozygotes.

Submission:

CeGaT Center for Human Genetics Tuebingen
Classification: Likely benign. Last evaluated: 2023-02-01. Review status: criteria provided, single submitter. Criteria: CeGaT Center For Human Genetics Tuebingen Variant Classification Criteria Version 2. Collection method: clinical testing. Allele origin: germline. Affected: yes. Observed: 1 variant allele.
Comment: WWOX: BP4, BP7

NM_016373.4(WWOX):c.507A>G (p.Leu169=)

Gene: WWOX (WW domain containing oxidoreductase; plus strand). Cytogenetic location: 16q23.1.
Variant type: single nucleotide variant.
Coding change: c.507A>G on transcript NM_016373.4 (MANE Select); coding-DNA position 507, A replaced by G.
Protein change: p.Leu169=; no amino-acid change (leucine 169 retained).
Molecular consequence: synonymous variant. On other transcripts: non-coding transcript variant (1).
Genome position (GRCh38, 1-based): chr16:78,164,280, A>G. VCF-style: chr16-78164280-A-G. GRCh37 (hg19) VCF-style: chr16-78198177-A-G.
Other names: c.168A>G, p.Leu56= (NM_001291997.2); c.507A>G, p.Leu169= (NM_130791.5).
Identifiers: ClinVar variation 2646886 (VCV002646886.24), dbSNP rs753083984, ClinGen allele CA8183233.